The following is an entry in ClinVar:

NM_133444.3(ZNF526):c.566C>T (p.Pro189Leu)

Gene: ZNF526 (zinc finger protein 526; plus strand). Cytogenetic location: 19q13.2.
Variant type: single nucleotide variant.
Coding change: c.566C>T on transcript NM_133444.3 (MANE Select); coding-DNA position 566, C replaced by T.
Protein change: p.Pro189Leu; replaces proline 189 with leucine.
Molecular consequence: missense variant.
Genome position (GRCh38, 1-based): chr19:42,224,969, C>T. VCF-style: chr19-42224969-C-T. GRCh37 (hg19) VCF-style: chr19-42729121-C-T.
Other names: c.566C>T, p.Pro189Leu (NM_001314033.3); short protein forms P189L.
Identifiers: ClinVar variation 130838 (VCV000130838.24), dbSNP rs150807158, ClinGen allele CA156149.

ClinVar aggregate classification (germline): Benign. Review status: criteria provided, multiple submitters, no conflicts (2 of 4 stars). 4 submissions from 4 submitters: Benign (4). Last evaluated 2026-09-01.

Allele frequency attached by ClinVar (database versions not stated): gnomAD 0.00741 and 0.00746; gnomAD exomes 0.00780 and 0.01221; ExAC 0.00787; ESP Exome Variant Server 0.01023; 1000 Genomes Project 0.00260; 1000 Genomes Project 30x 0.00265; TOPMed 0.00701.
gnomAD v4.1: 18,837 of 1,614,236 alleles (1.2%); highest among the groups gnomAD compares: Non-Finnish European, 1.4%; 139 homozygotes.

Submissions (4):

CeGaT Center for Human Genetics Tuebingen
Classification: Benign. Last evaluated: 2026-09-01. Review status: criteria provided, single submitter. Criteria: CeGaT Center For Human Genetics Tuebingen Variant Classification Criteria Version 2. Collection method: clinical testing. Allele origin: germline. Affected: yes. Observed: 20 variant alleles.
Comment: ZNF526: BS1, BS2

Labcorp Genetics (formerly Invitae), Labcorp
Classification: Benign. Last evaluated: 2019-12-31. Review status: criteria provided, single submitter. Criteria: Invitae Variant Classification Sherloc (09022015). Collection method: clinical testing. Allele origin: germline.

Genetic Services Laboratory, University of Chicago
Classification: Benign for AllHighlyPenetrant. Last evaluated: 2014-03-18. Review status: criteria provided, single submitter. Criteria: ACMG Guidelines, 2007. Collection method: clinical testing. Allele origin: germline. Inheritance: Autosomal recessive inheritance.

Breakthrough Genomics
Classification: Benign. Review status: criteria provided, single submitter. Criteria: ACMG Guidelines, 2015. Collection method: not provided. Allele origin: germline. Inheritance: Autosomal recessive inheritance. Affected: yes.